The following is an entry in ClinVar:

ClinVar aggregate classification (germline): Pathogenic/Likely pathogenic. Review status: criteria provided, multiple submitters, no conflicts (2 of 4 stars). 7 submissions from 7 submitters: Pathogenic (3); Likely pathogenic (4). Last evaluated 2025-09-02.

Conditions:
SLC12A3-related disorder. Also called: SLC12A3-related condition.
Familial hypokalemia-hypomagnesemia (GTLMNS). Also called: gitelman syndrome; POTASSIUM AND MAGNESIUM DEPLETION; HYPOMAGNESEMIA-HYPOKALEMIA, PRIMARY RENOTUBULAR, WITH HYPOCALCIURIA. Identifiers: Orphanet 358, MedGen C0268450, MONDO:0009904, OMIM 263800.
Inborn genetic diseases. Identifiers: MedGen C0950123, MeSH D030342.

Allele frequency attached by ClinVar (database versions not stated): TOPMed 0.00004.
gnomAD v4.1: 2 of 1,600,086 alleles (0.00012%); no homozygotes.

Submissions (7):

Natera, Inc.
Classification: Likely pathogenic for Gitelman syndrome. Last evaluated: 2025-09-02. Review status: criteria provided, single submitter. Criteria: Natera Variant Classification Schema (03/2026). Collection method: clinical testing. Allele origin: germline.
Comment: The c.852+1G>A variant in SLC12A3 is a canonical splice donor site variant predicted to affect pre-mRNA splicing, which may result in an abnormal transcript and altered protein product. This variant is expected to result in nonsense mediated decay, truncation, or a dysfunctional protein product. This variant is rare in the general population with a frequency below the threshold expected for the associated phenotype(s). This variant has been observed in one or more individuals affected with the associated recessive disease, as either homozygous or compound heterozygous with a second variant (PMID: 37273382, 15002785). Given the available evidence, this variant is classified as Likely Pathogenic.

Revvity Omics, Revvity
Classification: Pathogenic for Familial hypokalemia-hypomagnesemia. Last evaluated: 2025-03-25. Review status: criteria provided, single submitter. Criteria: ACMG Guidelines, 2015. Collection method: clinical testing. Allele origin: germline.

Labcorp Genetics (formerly Invitae), Labcorp
Classification: Likely pathogenic. Last evaluated: 2024-12-02. Review status: criteria provided, single submitter. Criteria: Invitae Variant Classification Sherloc (09022015). Collection method: clinical testing. Allele origin: germline.
Comment: This sequence change affects a donor splice site in intron 6 of the SLC12A3 gene. It is expected to disrupt RNA splicing. Variants that disrupt the donor or acceptor splice site typically lead to a loss of protein function (PMID: 16199547), and loss-of-function variants in SLC12A3 are known to be pathogenic (PMID: 20848653, 22009145, 25841442). This variant is not present in population databases (gnomAD no frequency). Disruption of this splice site has been observed in individual(s) with clinical features of Gitelman syndrome (PMID: 15002785, 31285285). ClinVar contains an entry for this variant (Variation ID: 985944). Algorithms developed to predict the effect of sequence changes on RNA splicing suggest that this variant may disrupt the consensus splice site. In summary, the currently available evidence indicates that the variant is pathogenic, but additional data are needed to prove that conclusively. Therefore, this variant has been classified as Likely Pathogenic.

Blueprint Genetics
Classification: Pathogenic for SLC12A3-related disorders. Last evaluated: 2024-04-12. Review status: criteria provided, single submitter. Criteria: ACMG Guidelines, 2015. Collection method: clinical testing. Allele origin: germline. Affected: yes. Observed: 2 variant alleles.

Fulgent Genetics
Classification: Likely pathogenic for Familial hypokalemia-hypomagnesemia. Last evaluated: 2024-01-30. Review status: criteria provided, single submitter. Criteria: ACMG Guidelines, 2015. Collection method: clinical testing. Allele origin: germline.

Greenwood Genetic Center Diagnostic Laboratories, Greenwood Genetic Center
Classification: Likely pathogenic for Familial hypokalemia-hypomagnesemia. Last evaluated: 2023-08-25. Review status: criteria provided, single submitter. Criteria: ACMG Guidelines, 2015. Collection method: clinical testing. Allele origin: germline. Affected: yes.
Comment: PP3_Strong, PM2, PM3

Ambry Genetics
Classification: Pathogenic for Inborn genetic diseases. Last evaluated: 2018-08-28. Review status: criteria provided, single submitter. Criteria: Ambry exome assertion method (8-5-2015). Collection method: clinical testing. Allele origin: germline. Affected: yes. Observed: 1 variant allele.

Literature cited by the submitters: PubMed 37273382 (cited by Natera, Inc.); PubMed 15002785 (cited by Natera, Inc. and Labcorp Genetics (formerly Invitae), Labcorp); PubMed 16199547 (cited by Labcorp Genetics (formerly Invitae), Labcorp); PubMed 20848653 (cited by Labcorp Genetics (formerly Invitae), Labcorp); PubMed 22009145 (cited by Labcorp Genetics (formerly Invitae), Labcorp); PubMed 25841442 (cited by Labcorp Genetics (formerly Invitae), Labcorp); PubMed 31285285 (cited by Labcorp Genetics (formerly Invitae), Labcorp).

NM_001126108.2(SLC12A3):c.852+1G>A

Gene: SLC12A3 (solute carrier family 12 member 3; plus strand). Cytogenetic location: 16q13.
Variant type: single nucleotide variant.
Coding change: c.852+1G>A on transcript NM_001126108.2 (MANE Select); the canonical splice donor site of the intron after coding-DNA position 852, G replaced by A.
Molecular consequence: splice donor variant.
Genome position (GRCh38, 1-based): chr16:56,870,737, G>A. VCF-style: chr16-56870737-G-A. GRCh37 (hg19) VCF-style: chr16-56904649-G-A.
Other names: c.852+1G>A (NM_000339.3); c.849+1G>A (NM_001126107.2, NM_001410896.1).
Identifiers: ClinVar variation 985944 (VCV000985944.17), dbSNP rs2055084531, ClinGen allele CA395982331.
Genomic context (GRCh38, chr16:56,870,737, plus strand): 5'-GTGGTCTCGGTCACTGTGCTGCTGGCCATCTCCCTGGCTGGCATGGAGTGGGAGTCCAAG[G>A]TGAGGAGGCCATGGAGGAGGGGGACATGGAGGTGGTCACGTGGAGAAGCGGGGGTTGCCA-3'